The following is an entry in ClinVar:

ClinVar aggregate classification (germline): Conflicting classifications of pathogenicity. Review status: criteria provided, conflicting classifications (1 of 4 stars). 3 submissions from 3 submitters: Uncertain significance (1); Likely benign (2). Last evaluated 2025-03-30.

Conditions:
Hereditary cancer-predisposing syndrome. Also called: Tumor predisposition; Hereditary Cancer Syndrome; Hereditary neoplastic syndrome; Neoplastic Syndromes, Hereditary. Identifiers: Orphanet 140162, MedGen C0027672, MeSH D009386, MONDO:0015356.
DICER1-related tumor predisposition. Also called: DICER1-related pleuropulmonary blastoma cancer predisposition syndrome; DICER1 syndrome. Identifiers: Orphanet 284343, MedGen C3839822, MONDO:0100216.

Allele frequency attached by ClinVar (database versions not stated): gnomAD exomes below 0.00001.
gnomAD v4.1: 3 of 1,614,114 alleles (0.00019%); highest among the groups gnomAD compares: Non-Finnish European, 0.00025%; no homozygotes.

Submissions (3):

Ambry Genetics
Classification: Likely benign for Hereditary cancer-predisposing syndrome. Last evaluated: 2025-03-30. Review status: criteria provided, single submitter. Criteria: Ambry Variant Classification Scheme 2023. Collection method: clinical testing. Allele origin: germline.

Labcorp Genetics (formerly Invitae), Labcorp
Classification: Likely benign for DICER1-related tumor predisposition. Last evaluated: 2025-02-12. Review status: criteria provided, single submitter. Criteria: Invitae Variant Classification Sherloc (09022015). Collection method: clinical testing. Allele origin: germline.

Quest Diagnostics Nichols Institute San Juan Capistrano
Classification: Uncertain significance. Last evaluated: 2024-07-18. Review status: criteria provided, single submitter. Criteria: Quest Diagnostics criteria. Collection method: clinical testing. Allele origin: unknown.
Comment: The DICER1 c.138A>G (p.Lys46=) synonymous variant has not been reported in individuals with DICER1-related conditions in the published literature. It also has not been reported in large, multi-ethnic general populations (Genome Aggregation Database). Analysis of this variant using software algorithms for the prediction of the effect of nucleotide changes on splicing yielded predictions that this variant does not affect DICER1 mRNA splicing. Based on the available information, we are unable to determine the clinical significance of this variant.

NM_177438.3(DICER1):c.138A>G (p.Lys46=)

Gene: DICER1 (dicer 1, ribonuclease III; minus strand). Cytogenetic location: 14q32.13.
Variant type: single nucleotide variant.
Coding change: c.138A>G on transcript NM_177438.3 (MANE Select); coding-DNA position 138, A replaced by G.
Protein change: p.Lys46=; no amino-acid change (lysine 46 retained).
Molecular consequence: synonymous variant.
Genome position (GRCh38, 1-based): chr14:95,133,321, T>C on the plus strand (A>G on the coding strand, the complement: DICER1 is on the minus strand). VCF-style: chr14-95133321-T-C. GRCh37 (hg19) VCF-style: chr14-95599658-T-C.
Other names: c.138A>G (NM_177438.2); c.138A>G, p.Lys46= (NM_001195573.1, NM_001271282.3, NM_001291628.2 and 1 more transcripts).
Identifiers: ClinVar variation 1539757 (VCV001539757.11), dbSNP rs2140295151, ClinGen allele CA487634163.
Genomic context (GRCh38, chr14:95,133,321, plus strand): 5'-TAATGTATTCCATTTTAGTGTAGAATGCTCCAGTATTAGTGTTCGCATTAGTACCTGATA[T>C]TTTCTTGGCGTATAAATGTTATCATGAATTGCTTCTTGTTGCCATGGCAGTCCAAAGAAA-3'
Protein context (NP_803187.1, residues 36-56): AIHDNIYTPR[Lys46=]YQVELLEAAL